The following is an entry in ClinVar:

ClinVar aggregate classification (germline): Uncertain significance (1 of 4 stars; one submission).

Conditions:
Drash syndrome (DDS). Also called: NEPHROPATHY, WILMS TUMOR, AND GENITAL ANOMALIES; WILMS TUMOR AND PSEUDO- OR TRUE HERMAPHRODITISM. Identifiers: Orphanet 220, MedGen C0950121, MONDO:0008682, OMIM 194080.
Wilms tumor 1 (WT1). Also called: Wilms tumor, somatic. Identifiers: Orphanet 654, MedGen CN033288, MONDO:0008679, OMIM 194070.
Frasier syndrome. Identifiers: Orphanet 347, MedGen C0950122, MeSH D052159, MONDO:0007635, OMIM 136680.
11p partial monosomy syndrome (WAGR). Also called: CHROMOSOME 11p13 DELETION SYNDROME; WAGR Spectrum Disorder; WAGR syndrome; WAGR Complex. Identifiers: Orphanet 893, MedGen C0206115, MONDO:0008681, OMIM 194072.

Submission:

Labcorp Genetics (formerly Invitae), Labcorp
Classification: Uncertain significance for Wilms tumor 1; Drash syndrome; 11p partial monosomy syndrome; Frasier syndrome. Last evaluated: 2023-08-11. Review status: criteria provided, single submitter. Criteria: Invitae Variant Classification Sherloc (09022015). Collection method: clinical testing. Allele origin: germline.
Comment: This sequence change replaces threonine, which is neutral and polar, with serine, which is neutral and polar, at codon 416 of the WT1 protein (p.Thr416Ser). This variant is not present in population databases (gnomAD no frequency). This variant has not been reported in the literature in individuals affected with WT1-related conditions. An algorithm developed to predict the effect of missense changes on protein structure and function (PolyPhen-2) suggests that this variant is likely to be disruptive. In summary, the available evidence is currently insufficient to determine the role of this variant in disease. Therefore, it has been classified as a Variant of Uncertain Significance.

NM_024426.6(WT1):c.1261A>T (p.Thr421Ser)

Gene: WT1 (WT1 transcription factor; minus strand). Cytogenetic location: 11p13.
Variant type: single nucleotide variant.
Coding change: c.1261A>T on transcript NM_024426.6 (MANE Select); coding-DNA position 1261, A replaced by T.
Protein change: p.Thr421Ser; replaces threonine 421 with serine.
Molecular consequence: missense variant. On other transcripts: non-coding transcript variant (2).
Genome position (GRCh38, 1-based): chr11:32,396,260, T>A on the plus strand (A>T on the coding strand, the complement: WT1 is on the minus strand). VCF-style: chr11-32396260-T-A. GRCh37 (hg19) VCF-style: chr11-32417806-T-A.
Other names: c.1210A>T, p.Thr404Ser (NM_000378.6, NM_001407045.1, NM_001407048.1 and 1 more transcripts); c.610A>T, p.Thr204Ser (NM_001198551.2); c.559A>T, p.Thr187Ser (NM_001198552.2); c.73A>T, p.Thr25Ser (NM_001367854.1); c.1255A>T, p.Thr419Ser (NM_001407044.1); c.1261A>T, p.Thr421Ser (NM_001407046.1, NM_024424.5); c.1138A>T, p.Thr380Ser (NM_001407047.1); c.1087A>T, p.Thr363Ser (NM_001407050.1); and 2 more; short protein forms T204S, T404S, T421S, T167S, T25S, T380S, T187S, T363S.
Identifiers: ClinVar variation 2932562 (VCV002932562.3), dbSNP rs2132939163, ClinGen allele CA379959764.